The following is an entry in ClinVar:

NM_000064.4(C3):c.590A>C (p.Glu197Ala)

Gene: C3 (complement C3; minus strand). Cytogenetic location: 19p13.3.
Variant type: single nucleotide variant.
Coding change: c.590A>C on transcript NM_000064.4 (MANE Select); coding-DNA position 590, A replaced by C.
Protein change: p.Glu197Ala; replaces glutamic acid 197 with alanine.
Molecular consequence: missense variant.
Genome position (GRCh38, 1-based): chr19:6,714,361, T>G on the plus strand (A>C on the coding strand, the complement: C3 is on the minus strand). VCF-style: chr19-6714361-T-G. GRCh37 (hg19) VCF-style: chr19-6714372-T-G.
Other names: short protein forms E197A.
Identifiers: ClinVar variation 4280272 (VCV004280272.1).

ClinVar aggregate classification (germline): Uncertain significance (1 of 4 stars; one submission).

Conditions:
Complement component 3 deficiency. Identifiers: Orphanet 280133, MedGen C3151071, MONDO:0013417, OMIM 613779.
C3 glomerulonephritis. Also called: Nephropathy due to CFHR5 Deficiency; C3 GLOMERULOPATHY 3. Identifiers: Orphanet 329931, MedGen C4055342, MONDO:0013892, OMIM 614809.
Atypical hemolytic-uremic syndrome. Identifiers: Orphanet 2134, MedGen C2931788, MONDO:0016244.

Submission:

Genomenon, Inc
Classification: Uncertain significance for Complement component 3 deficiency; C3 glomerulonephritis; Atypical hemolytic-uremic syndrome. Last evaluated: 2025-09-30. Review status: criteria provided, single submitter. Criteria: Genomenon Sequence Variant Interpretation Standards. Collection method: curation. Allele origin: germline. Affected: no.
Comment: C3 p.Glu197Ala (c.590A>C) is a missense variant that changes the amino acid at residue 197 from Glutamic acid to Alanine. This variant has been reported in the published literature (PMID:28254726). It is absent or not present at a significant frequency in gnomAD. In conclusion, we classify C3 p.Glu197Ala (c.590A>C) as a variant of unknown significance.

Literature cited by the submitters: PubMed 28254726.